The following is an entry in ClinVar:

ClinVar aggregate classification (germline): Benign. Review status: criteria provided, multiple submitters, no conflicts (2 of 4 stars). 4 submissions from 4 submitters: Benign (3). 1 of the submissions does not count toward it. Last evaluated 2026-02-01.

Conditions:
ARHGEF1-related disorder. Also called: ARHGEF1-related condition.

Allele frequency attached by ClinVar (database versions not stated): gnomAD exomes 0.00305 and 0.00759; ExAC 0.00936; 1000 Genomes Project 0.02716; gnomAD 0.02952 and 0.03179; 1000 Genomes Project 30x 0.03029; TOPMed 0.03330; ESP Exome Variant Server 0.03437.
gnomAD v4.1: 9,195 of 1,613,938 alleles (0.57%); highest among the groups gnomAD compares: African/African-American, 10%; 402 homozygotes.

Submissions (4):

Labcorp Genetics (formerly Invitae), Labcorp
Classification: Benign. Last evaluated: 2026-02-01. Review status: criteria provided, single submitter. Criteria: Invitae Variant Classification Sherloc (09022015). Collection method: clinical testing. Allele origin: germline.

Women's Health and Genetics/Laboratory Corporation of America, LabCorp
Classification: Benign. Last evaluated: 2026-01-22. Review status: criteria provided, single submitter. Criteria: LabCorp Variant Classification Summary - May 2015. Collection method: clinical testing. Allele origin: germline.

Breakthrough Genomics
Classification: Benign. Review status: criteria provided, single submitter. Criteria: ACMG Guidelines, 2015. Collection method: not provided. Allele origin: germline. Inheritance: Autosomal recessive inheritance. Affected: yes.

PreventionGenetics, part of Exact Sciences
Classification: Benign for ARHGEF1-related condition. Last evaluated: 2019-11-07. Review status: no assertion criteria provided. Collection method: clinical testing. Allele origin: germline. Not counted in ClinVar's aggregate classification.
Comment: This variant is classified as benign based on ACMG/AMP sequence variant interpretation guidelines (Richards et al. 2015 PMID: 25741868, with internal and published modifications).

NM_004706.4(ARHGEF1):c.2405-5T>C

Gene: ARHGEF1 (Rho guanine nucleotide exchange factor 1; plus strand). Cytogenetic location: 19q13.2.
Variant type: single nucleotide variant.
Coding change: c.2405-5T>C on transcript NM_004706.4 (MANE Select); 5 bases into the intron before coding-DNA position 2405, T replaced by C.
Molecular consequence: intron variant.
Genome position (GRCh38, 1-based): chr19:41,905,934, T>C. VCF-style: chr19-41905934-T-C. GRCh37 (hg19) VCF-style: chr19-42410086-T-C.
Other names: c.2306-5T>C (NM_198977.2); c.2450-5T>C (NM_199002.2, NM_199002.1).
Identifiers: ClinVar variation 1166726 (VCV001166726.13), dbSNP rs11879368, ClinGen allele CA9466722.